The following is an entry in ClinVar:

NM_182914.3(SYNE2):c.19600A>G (p.Asn6534Asp)

Gene: SYNE2 (spectrin repeat containing nuclear envelope protein 2; plus strand). Cytogenetic location: 14q23.2.
Variant type: single nucleotide variant.
Coding change: c.19600A>G on transcript NM_182914.3 (MANE Select); coding-DNA position 19600, A replaced by G.
Protein change: p.Asn6534Asp; replaces asparagine 6534 with aspartic acid.
Molecular consequence: missense variant.
Genome position (GRCh38, 1-based): chr14:64,218,455, A>G. VCF-style: chr14-64218455-A-G. GRCh37 (hg19) VCF-style: chr14-64685173-A-G.
Other names: c.19531A>G, p.Asn6511Asp (NM_015180.6); c.124A>G, p.Asn42Asp (NM_182910.2); c.502A>G, p.Asn168Asp (NM_182913.4); short protein forms N168D, N42D, N6511D, N6534D.
Identifiers: ClinVar variation 3620952 (VCV003620952.2).

ClinVar aggregate classification (germline): Uncertain significance (1 of 4 stars; one submission).

Conditions:
Emery-Dreifuss muscular dystrophy 5, autosomal dominant (EDMD5). Also called: EMERY-DREIFUSS MUSCULAR DYSTROPHY 5. Identifiers: Orphanet 261, MedGen C2751805, MONDO:0013072, OMIM 612999.

gnomAD v4.1: 2 of 1,614,120 alleles (0.00012%); highest among the groups gnomAD compares: Non-Finnish European, 0.000085%; no homozygotes.

Submission:

Labcorp Genetics (formerly Invitae), Labcorp
Classification: Uncertain significance for Emery-Dreifuss muscular dystrophy 5, autosomal dominant. Last evaluated: 2024-12-12. Review status: criteria provided, single submitter. Criteria: Invitae Variant Classification Sherloc (09022015). Collection method: clinical testing. Allele origin: germline.
Comment: This sequence change replaces asparagine, which is neutral and polar, with aspartic acid, which is acidic and polar, at codon 6534 of the SYNE2 protein (p.Asn6534Asp). This variant is not present in population databases (gnomAD no frequency). This variant has not been reported in the literature in individuals affected with SYNE2-related conditions. An algorithm developed to predict the effect of missense changes on protein structure and function (PolyPhen-2) suggests that this variant is likely to be tolerated. In summary, the available evidence is currently insufficient to determine the role of this variant in disease. Therefore, it has been classified as a Variant of Uncertain Significance.